The following is an entry in ClinVar:

ClinVar aggregate classification (germline): Uncertain significance. Review status: criteria provided, multiple submitters, no conflicts (2 of 4 stars). 3 submissions from 3 submitters: Uncertain significance (2). 1 of the submissions does not count toward it. Last evaluated 2025-03-04.

Conditions:
Ataxia-telangiectasia syndrome (AT). Also called: ATAXIA-TELANGIECTASIA, FRESNO VARIANT; Ataxia-telangiectasia, complementation group D; Cerebello-oculocutaneous telangiectasia; Immunodeficiency with ataxia telangiectasia; Ataxia-telangiectasia; Ataxia telangiectasia (A-T). Identifiers: Orphanet 100, MedGen C0004135, MONDO:0008840, OMIM 208900.

Submissions (3):

Center for Genomic Medicine, Rigshospitalet, Copenhagen University Hospital
Classification: Uncertain significance. Last evaluated: 2025-03-04. Review status: criteria provided, single submitter. Criteria: ACMG Guidelines, 2015. Collection method: clinical testing. Allele origin: germline.

Labcorp Genetics (formerly Invitae), Labcorp
Classification: Uncertain significance for Ataxia-telangiectasia syndrome. Last evaluated: 2024-12-08. Review status: criteria provided, single submitter. Criteria: Invitae Variant Classification Sherloc (09022015). Collection method: clinical testing. Allele origin: germline.
Comment: This sequence change replaces glutamic acid, which is acidic and polar, with lysine, which is basic and polar, at codon 769 of the ATM protein (p.Glu769Lys). This variant is not present in population databases (gnomAD no frequency). This variant has not been reported in the literature in individuals affected with ATM-related conditions. ClinVar contains an entry for this variant (Variation ID: 659052). Invitae Evidence Modeling of protein sequence and biophysical properties (such as structural, functional, and spatial information, amino acid conservation, physicochemical variation, residue mobility, and thermodynamic stability) indicates that this missense variant is not expected to disrupt ATM protein function with a negative predictive value of 95%. In summary, the available evidence is currently insufficient to determine the role of this variant in disease. Therefore, it has been classified as a Variant of Uncertain Significance.

Natera, Inc.
Classification: Uncertain significance for Ataxia-telangiectasia. Last evaluated: 2020-10-19. Review status: no assertion criteria provided. Collection method: clinical testing. Allele origin: germline. Not counted in ClinVar's aggregate classification.

NM_000051.4(ATM):c.2305G>A (p.Glu769Lys)

Gene: ATM (ATM serine/threonine kinase; plus strand). Cytogenetic location: 11q22.3.
Variant type: single nucleotide variant.
Coding change: c.2305G>A on transcript NM_000051.4 (MANE Select); coding-DNA position 2305, G replaced by A.
Protein change: p.Glu769Lys; replaces glutamic acid 769 with lysine.
Molecular consequence: missense variant.
Genome position (GRCh38, 1-based): chr11:108,257,535, G>A. VCF-style: chr11-108257535-G-A. GRCh37 (hg19) VCF-style: chr11-108128262-G-A.
Other names: c.2305G>A, p.Glu769Lys (NM_001351834.2); short protein forms E769K.
Identifiers: ClinVar variation 659052 (VCV000659052.15), dbSNP rs1591546453, ClinGen allele CA382539832.
Genomic context (GRCh38, chr11:108,257,535, plus strand): 5'-CAATAGTCTCTAATGCAATGTGCAGGAGAAAGTATCACTCTGTTTAAAAATAAGACAAAT[G>A]AGGAATTCAGAATTGGTTCCTTGAGAAATATGATGCAGCTATGTACACGTTGCTTGAGCA-3'
Protein context (NP_000042.3, residues 759-779): SITLFKNKTN[Glu769Lys]EFRIGSLRNM